The following is an entry in ClinVar:

NM_020937.4(FANCM):c.4002A>C (p.Lys1334Asn)

Gene: FANCM (FA complementation group M; plus strand). Cytogenetic location: 14q21.2.
Variant type: single nucleotide variant.
Coding change: c.4002A>C on transcript NM_020937.4 (MANE Select); coding-DNA position 4002, A replaced by C.
Protein change: p.Lys1334Asn; replaces lysine 1334 with asparagine.
Molecular consequence: missense variant.
Genome position (GRCh38, 1-based): chr14:45,176,756, A>C. VCF-style: chr14-45176756-A-C. GRCh37 (hg19) VCF-style: chr14-45645959-A-C.
Other names: c.3924A>C, p.Lys1308Asn (NM_001308133.2); short protein forms K1334N, K1308N.
Identifiers: ClinVar variation 3848742 (VCV003848742.1).

ClinVar aggregate classification (germline): Uncertain significance (1 of 4 stars; one submission).

Conditions:
Inborn genetic diseases. Identifiers: MedGen C0950123, MeSH D030342.

gnomAD v4.1: 1 of 1,612,820 alleles (0.000062%); highest among the groups gnomAD compares: Non-Finnish European, 0.000085%; no homozygotes.

Submission:

Ambry Genetics
Classification: Uncertain significance for Inborn genetic diseases. Last evaluated: 2025-02-20. Review status: criteria provided, single submitter. Criteria: Ambry Variant Classification Scheme 2023. Collection method: clinical testing. Allele origin: germline.
Comment: The p.K1334N variant (also known as c.4002A>C), located in coding exon 14 of the FANCM gene, results from an A to C substitution at nucleotide position 4002. The lysine at codon 1334 is replaced by asparagine, an amino acid with similar properties. This amino acid position is conserved. In addition, this alteration is predicted to be tolerated by in silico analysis. Based on the available evidence, the clinical significance of this variant remains unclear.